The following is an entry in ClinVar:

NM_001166108.2(PALLD):c.2183A>T (p.Glu728Val)

Genes: CBR4 (carbonyl reductase 4; minus strand), PALLD (palladin, cytoskeletal associated protein; plus strand). Cytogenetic location: 4q32.3.
Variant type: single nucleotide variant.
Coding change: c.2183A>T on transcript NM_001166108.2 (MANE Select); coding-DNA position 2183, A replaced by T.
Protein change: p.Glu728Val; replaces glutamic acid 728 with valine.
Molecular consequence: missense variant.
Genome position (GRCh38, 1-based): chr4:168,894,661, A>T. VCF-style: chr4-168894661-A-T. GRCh37 (hg19) VCF-style: chr4-169815812-A-T.
Other names: c.1037A>T, p.Glu346Val (NM_001166109.2); c.722A>T, p.Glu241Val (NM_001166110.2); c.62A>T, p.Glu21Val (NM_001367567.1, NM_001367568.1, NM_001367569.1 and 1 more transcripts); c.2183A>T, p.Glu728Val (NM_016081.4); short protein forms E241V, E346V, E21V, E728V.
Identifiers: ClinVar variation 2448475 (VCV002448475.2), dbSNP rs2533639286, ClinGen allele CA358797800.

ClinVar aggregate classification (germline): Uncertain significance (1 of 4 stars; one submission).

Submission:

Ambry Genetics
Classification: Uncertain significance. Last evaluated: 2023-01-14. Review status: criteria provided, single submitter. Criteria: Ambry Variant Classification Scheme 2023. Collection method: clinical testing. Allele origin: germline.
Comment: The p.E728V variant (also known as c.2183A>T), located in coding exon 11 of the PALLD gene, results from an A to T substitution at nucleotide position 2183. The glutamic acid at codon 728 is replaced by valine, an amino acid with dissimilar properties. This amino acid position is conserved. In addition, the in silico prediction for this alteration is inconclusive. Since supporting evidence is limited at this time, the clinical significance of this alteration remains unclear.